The following is an entry in ClinVar:

ClinVar aggregate classification (germline): Pathogenic. Review status: criteria provided, multiple submitters, no conflicts (2 of 4 stars). 3 submissions from 3 submitters: Pathogenic (3). Last evaluated 2026-01-16.

Conditions:
EXT1-related disorders.
Multiple congenital exostosis (EXT). Also called: Multiple osteochondromas; Multiple exostoses; Hereditary multiple exostoses; Hereditary multiple exostosis; MULTIPLE CARTILAGINOUS EXOSTOSES; Hereditary multiple osteochondromas. Identifiers: Orphanet 321, MedGen C0015306, MONDO:0005508, HP:0002762.

Submissions (3):

Labcorp Genetics (formerly Invitae), Labcorp
Classification: Pathogenic for Multiple congenital exostosis. Last evaluated: 2026-01-16. Review status: criteria provided, single submitter. Criteria: Invitae Variant Classification Sherloc (09022015). Collection method: clinical testing. Allele origin: germline.
Comment: This sequence change affects a donor splice site in intron 1 of the EXT1 gene. It is expected to disrupt RNA splicing. Variants that disrupt the donor or acceptor splice site typically lead to a loss of protein function (PMID: 16199547), and loss-of-function variants in EXT1 are known to be pathogenic (PMID: 10679937, 11391482, 19810120). This variant is not present in population databases (gnomAD no frequency). Disruption of this splice site has been observed in individual(s) with multiple osteochondromas (PMID: 15253765, 16283885; internal data). ClinVar contains an entry for this variant (Variation ID: 265127). Algorithms developed to predict the effect of sequence changes on RNA splicing suggest that this variant may disrupt the consensus splice site. For these reasons, this variant has been classified as Pathogenic.

Blueprint Genetics
Classification: Pathogenic for EXT1-related disorders. Last evaluated: 2023-09-12. Review status: criteria provided, single submitter. Criteria: ACMG Guidelines, 2015. Collection method: clinical testing. Allele origin: germline. Affected: yes. Observed: 1 variant allele.

GeneDx
Classification: Pathogenic. Last evaluated: 2015-09-29. Review status: criteria provided, single submitter. Criteria: GeneDx Variant Classification (06012015). Collection method: clinical testing. Allele origin: germline. Affected: yes.
Comment: The IVS1+1 G>T splice site variant in the EXT1 gene has been previously reported in association with hereditary multiple exostoses (HME) (Wuyts et al., 2005). This pathogenic variant destroys the canonical splice donor site in intron 1, and is expected to cause abnormal gene splicing.

Literature cited by the submitters: PubMed 16199547 (cited by Labcorp Genetics (formerly Invitae), Labcorp); PubMed 10679937 (cited by Labcorp Genetics (formerly Invitae), Labcorp); PubMed 11391482 (cited by Labcorp Genetics (formerly Invitae), Labcorp); PubMed 19810120 (cited by Labcorp Genetics (formerly Invitae), Labcorp); PubMed 15253765 (cited by Labcorp Genetics (formerly Invitae), Labcorp); PubMed 16283885 (cited by Labcorp Genetics (formerly Invitae), Labcorp).

NM_000127.3(EXT1):c.962+1G>T

Gene: EXT1 (exostosin glycosyltransferase 1; minus strand). Cytogenetic location: 8q24.11.
Variant type: single nucleotide variant.
Coding change: c.962+1G>T on transcript NM_000127.3 (MANE Select); the canonical splice donor site of the intron after coding-DNA position 962, G replaced by T.
Molecular consequence: splice donor variant.
Genome position (GRCh38, 1-based): chr8:118,110,084, C>A on the plus strand (G>T on the coding strand, the complement: EXT1 is on the minus strand). VCF-style: chr8-118110084-C-A. GRCh37 (hg19) VCF-style: chr8-119122323-C-A.
Identifiers: ClinVar variation 265127 (VCV000265127.13), dbSNP rs886039353, ClinGen allele CA10588450.